The following is an entry in ClinVar:

NM_001375834.1(WIPF1):c.1034C>T (p.Thr345Met)

Gene: WIPF1 (WAS/WASL interacting protein family member 1; minus strand). Cytogenetic location: 2q31.1.
Variant type: single nucleotide variant.
Coding change: c.1034C>T on transcript NM_001375834.1 (MANE Select); coding-DNA position 1034, C replaced by T.
Protein change: p.Thr345Met; replaces threonine 345 with methionine.
Molecular consequence: missense variant.
Genome position (GRCh38, 1-based): chr2:174,571,771, G>A on the plus strand (C>T on the coding strand, the complement: WIPF1 is on the minus strand). VCF-style: chr2-174571771-G-A. GRCh37 (hg19) VCF-style: chr2-175436499-G-A.
Other names: c.1034C>T, p.Thr345Met (NM_001077269.1, NM_001375832.1, NM_001375833.1 and 5 more transcripts); c.656C>T, p.Thr219Met (NM_001375839.1); short protein forms T219M, T345M.
Identifiers: ClinVar variation 1474173 (VCV001474173.6), dbSNP rs1684852145, ClinGen allele CA349340395.

ClinVar aggregate classification (germline): Uncertain significance (1 of 4 stars; one submission).

Conditions:
Wiskott-Aldrich syndrome 2 (WAS2). Also called: WIPF1 DEFICIENCY. Identifiers: Orphanet 906, MedGen C3281001, MONDO:0013779, OMIM 614493.

Allele frequency attached by ClinVar (database versions not stated): gnomAD exomes below 0.00001.
gnomAD v4.1: 4 of 1,614,212 alleles (0.00025%); highest among the groups gnomAD compares: Non-Finnish European, 0.00034%; no homozygotes.

Submission:

Labcorp Genetics (formerly Invitae), Labcorp
Classification: Uncertain significance for Wiskott-Aldrich syndrome 2. Last evaluated: 2021-09-26. Review status: criteria provided, single submitter. Criteria: Invitae Variant Classification Sherloc (09022015). Collection method: clinical testing. Allele origin: germline.
Comment: In summary, the available evidence is currently insufficient to determine the role of this variant in disease. Therefore, it has been classified as a Variant of Uncertain Significance. Algorithms developed to predict the effect of missense changes on protein structure and function are either unavailable or do not agree on the potential impact of this missense change (SIFT: "Not Available"; PolyPhen-2: "Benign"; Align-GVGD: "Not Available"). This variant has not been reported in the literature in individuals affected with WIPF1-related conditions. This variant is not present in population databases (ExAC no frequency). This sequence change replaces threonine with methionine at codon 345 of the WIPF1 protein (p.Thr345Met). The threonine residue is weakly conserved and there is a moderate physicochemical difference between threonine and methionine.